The following is an entry in ClinVar:

NM_006739.4(MCM5):c.1805G>A (p.Arg602His)

Gene: MCM5 (minichromosome maintenance complex component 5; plus strand). Cytogenetic location: 22q12.3.
Variant type: single nucleotide variant.
Coding change: c.1805G>A on transcript NM_006739.4 (MANE Select); coding-DNA position 1805, G replaced by A.
Protein change: p.Arg602His; replaces arginine 602 with histidine.
Molecular consequence: missense variant.
Genome position (GRCh38, 1-based): chr22:35,419,985, G>A. VCF-style: chr22-35419985-G-A. GRCh37 (hg19) VCF-style: chr22-35815978-G-A.
Other names: short protein forms R602H.
Identifiers: ClinVar variation 2176452 (VCV002176452.4), dbSNP rs183901751, ClinGen allele CA10205513.
Genomic context (GRCh38, chr22:35,419,985, plus strand): 5'-TGAAGAACCGCTACATCATCATGCGGAGCGGGGCCCGTCAGCACGAGAGGGACAGTGACC[G>A]CCGCTCCAGCATCCCCATCACTGTGCGGTGAGCAGGCGGGCAGGGCTGGGCCATGGCAGA-3'
Protein context (NP_006730.2, residues 592-612): GARQHERDSD[Arg602His]RSSIPITVRQ

ClinVar aggregate classification (germline): Uncertain significance (1 of 4 stars; one submission).

Allele frequency attached by ClinVar (database versions not stated): gnomAD exomes 0.00003; TOPMed 0.00005; gnomAD 0.00006; ExAC 0.00013; 1000 Genomes Project 30x 0.00047; 1000 Genomes Project 0.00060.
gnomAD v4.1: 60 of 1,612,168 alleles (0.0037%); highest among the groups gnomAD compares: East Asian, 0.067%; no homozygotes.

Submission:

Labcorp Genetics (formerly Invitae), Labcorp
Classification: Uncertain significance. Last evaluated: 2025-10-17. Review status: criteria provided, single submitter. Criteria: Invitae Variant Classification Sherloc (09022015). Collection method: clinical testing. Allele origin: germline.
Comment: This sequence change replaces arginine, which is basic and polar, with histidine, which is basic and polar, at codon 602 of the MCM5 protein (p.Arg602His). This variant is present in population databases (rs183901751, gnomAD 0.1%), and has an allele count higher than expected for a pathogenic variant. This variant has not been reported in the literature in individuals affected with MCM5-related conditions. ClinVar contains an entry for this variant (Variation ID: 2176452). Invitae Evidence Modeling of protein sequence and biophysical properties (such as structural, functional, and spatial information, amino acid conservation, physicochemical variation, residue mobility, and thermodynamic stability) indicates that this missense variant is not expected to disrupt MCM5 protein function with a negative predictive value of 80%. In summary, the available evidence is currently insufficient to determine the role of this variant in disease. Therefore, it has been classified as a Variant of Uncertain Significance.